The following is an entry in ClinVar:

ClinVar aggregate classification (germline): Uncertain significance (1 of 4 stars; one submission).

Conditions:
Early Myoclonic Encephalopathy. Identifiers: MedGen C0270855.

Submission:

Labcorp Genetics (formerly Invitae), Labcorp
Classification: Uncertain significance for Early Myoclonic Encephalopathy. Last evaluated: 2020-11-11. Review status: criteria provided, single submitter. Criteria: Invitae Variant Classification Sherloc (09022015). Collection method: clinical testing. Allele origin: germline.
Comment: Algorithms developed to predict the effect of missense changes on protein structure and function are either unavailable or do not agree on the potential impact of this missense change (SIFT: "Deleterious"; PolyPhen-2: "Probably Damaging"; Align-GVGD: "Class C0"). This sequence change replaces proline with leucine at codon 1211 of the JMJD1C protein (p.Pro1211Leu). The proline residue is highly conserved and there is a moderate physicochemical difference between proline and leucine. This variant is not present in population databases (ExAC no frequency). This variant has not been reported in the literature in individuals with JMJD1C-related conditions. In summary, the available evidence is currently insufficient to determine the role of this variant in disease. Therefore, it has been classified as a Variant of Uncertain Significance.

NM_032776.3(JMJD1C):c.3632C>T (p.Pro1211Leu)

Gene: JMJD1C (jumonji domain containing 1C; minus strand). Cytogenetic location: 10q21.3.
Variant type: single nucleotide variant.
Coding change: c.3632C>T on transcript NM_032776.3 (MANE Select); coding-DNA position 3632, C replaced by T.
Protein change: p.Pro1211Leu; replaces proline 1211 with leucine.
Molecular consequence: missense variant. On other transcripts: non-coding transcript variant (1).
Genome position (GRCh38, 1-based): chr10:63,208,037, G>A on the plus strand (C>T on the coding strand, the complement: JMJD1C is on the minus strand). VCF-style: chr10-63208037-G-A. GRCh37 (hg19) VCF-style: chr10-64967797-G-A.
Other names: c.3086C>T, p.Pro1029Leu (NM_001282948.2, NM_001318154.2); c.2768C>T, p.Pro923Leu (NM_001318153.2); c.3518C>T, p.Pro1173Leu (NM_001322252.2); c.2975C>T, p.Pro992Leu (NM_001322254.2, NM_001322258.2); short protein forms P1211L, P923L, P1029L, P1173L, P992L.
Identifiers: ClinVar variation 1346149 (VCV001346149.8), dbSNP rs2133156877, ClinGen allele CA377040846.